The following is an entry in ClinVar:

NM_015629.4(PRPF31):c.832G>A (p.Asp278Asn)

Gene: PRPF31 (pre-mRNA processing factor 31; plus strand). Cytogenetic location: 19q13.42.
Variant type: single nucleotide variant.
Coding change: c.832G>A on transcript NM_015629.4 (MANE Select); coding-DNA position 832, G replaced by A.
Protein change: p.Asp278Asn; replaces aspartic acid 278 with asparagine.
Molecular consequence: missense variant.
Genome position (GRCh38, 1-based): chr19:54,124,633, G>A. VCF-style: chr19-54124633-G-A. GRCh37 (hg19) VCF-style: chr19-54628012-G-A.
Other names: short protein forms D278N.
Identifiers: ClinVar variation 1718075 (VCV001718075.6), dbSNP rs2516158676, ClinGen allele CA407751446.

ClinVar aggregate classification (germline): Uncertain significance (1 of 4 stars; one submission).

Submission:

Labcorp Genetics (formerly Invitae), Labcorp
Classification: Uncertain significance. Last evaluated: 2023-07-18. Review status: criteria provided, single submitter. Criteria: Invitae Variant Classification Sherloc (09022015). Collection method: clinical testing. Allele origin: germline.
Comment: In summary, the available evidence is currently insufficient to determine the role of this variant in disease. Therefore, it has been classified as a Variant of Uncertain Significance. This sequence change replaces aspartic acid, which is acidic and polar, with asparagine, which is neutral and polar, at codon 278 of the PRPF31 protein (p.Asp278Asn). This variant is not present in population databases (gnomAD no frequency). This variant has not been reported in the literature in individuals affected with PRPF31-related conditions. ClinVar contains an entry for this variant (Variation ID: 1718075). An algorithm developed to predict the effect of missense changes on protein structure and function (PolyPhen-2) suggests that this variant is likely to be tolerated.